The following is an entry in ClinVar:

ClinVar aggregate classification (germline): Conflicting classifications of pathogenicity. Review status: criteria provided, conflicting classifications (1 of 4 stars). 2 submissions from 2 submitters: Uncertain significance (1); Likely benign (1). Last evaluated 2024-06-18.

Conditions:
Koolen-de Vries syndrome (KDVS). Identifiers: Orphanet 96169, MedGen C1864871, MONDO:0012496, OMIM 610443.

Allele frequency attached by ClinVar (database versions not stated): gnomAD below 0.00001 and 0.00001; gnomAD exomes below 0.00001 and 0.00001; ExAC 0.00001.
gnomAD v4.1: 3 of 1,614,078 alleles (0.00019%); highest among the groups gnomAD compares: South Asian, 0.0033%; no homozygotes.

Submissions (2):

Labcorp Genetics (formerly Invitae), Labcorp
Classification: Uncertain significance for Koolen-de Vries syndrome. Last evaluated: 2024-06-18. Review status: criteria provided, single submitter. Criteria: Invitae Variant Classification Sherloc (09022015). Collection method: clinical testing. Allele origin: germline.
Comment: This sequence change replaces glutamine, which is neutral and polar, with arginine, which is basic and polar, at codon 660 of the KANSL1 protein (p.Gln660Arg). This variant is present in population databases (rs761226381, gnomAD 0.01%). This variant has not been reported in the literature in individuals affected with KANSL1-related conditions. ClinVar contains an entry for this variant (Variation ID: 380630). Advanced modeling of protein sequence and biophysical properties (such as structural, functional, and spatial information, amino acid conservation, physicochemical variation, residue mobility, and thermodynamic stability) performed at Invitae indicates that this missense variant is not expected to disrupt KANSL1 protein function with a negative predictive value of 80%. In summary, the available evidence is currently insufficient to determine the role of this variant in disease. Therefore, it has been classified as a Variant of Uncertain Significance.

GeneDx
Classification: Likely benign. Last evaluated: 2015-09-15. Review status: criteria provided, single submitter. Criteria: GeneDx Variant Classification (06012015). Collection method: clinical testing. Allele origin: germline. Affected: yes.
Comment: This variant is considered likely benign or benign based on one or more of the following criteria: it is a conservative change, it occurs at a poorly conserved position in the protein, it is predicted to be benign by multiple in silico algorithms, and/or has population frequency not consistent with disease.

NM_015443.4(KANSL1):c.1979A>G (p.Gln660Arg)

Gene: KANSL1 (KAT8 regulatory NSL complex subunit 1). Cytogenetic location: 17q21.31.
Variant type: single nucleotide variant.
Coding change: c.1979A>G on transcript NM_015443.4 (MANE Select); coding-DNA position 1979, A replaced by G.
Protein change: p.Gln660Arg; replaces glutamine 660 with arginine.
Molecular consequence: missense variant.
Genome position (GRCh38, 1-based): chr17:46,050,574, T>C on the plus strand (A>G on the coding strand, the complement: KANSL1 is on the minus strand). VCF-style: chr17-46050574-T-C. GRCh37 (hg19) VCF-style: chr17-44127940-T-C.
Other names: c.1979A>G, p.Gln660Arg (NM_001193465.2, NM_001193466.2, NM_001379198.1); short protein forms Q660R.
Identifiers: ClinVar variation 380630 (VCV000380630.3), dbSNP rs761226381, ClinGen allele CA8618675.